The following is an entry in ClinVar:

NM_022114.4(PRDM16):c.885-4G>A

Gene: PRDM16 (PR/SET domain 16; plus strand). Cytogenetic location: 1p36.32.
Variant type: single nucleotide variant.
Coding change: c.885-4G>A on transcript NM_022114.4 (MANE Select); 4 bases into the intron before coding-DNA position 885, G replaced by A.
Molecular consequence: intron variant.
Genome position (GRCh38, 1-based): chr1:3,404,735, G>A. VCF-style: chr1-3404735-G-A. GRCh37 (hg19) VCF-style: chr1-3321299-G-A.
Other names: c.885-4G>A (NM_199454.3).
Identifiers: ClinVar variation 413870 (VCV000413870.33), dbSNP rs374365034, ClinGen allele CA544020.
Genomic context (GRCh38, chr1:3,404,735, plus strand): 5'-GGGGTCCCCTCCCGGGCAGAGGGCAGGTAGTCGGGCCCCGCAGTGAGCCTCGTCCTCTGC[G>A]CAGCCTGGAGCAGCACATGGTCATCCACACGGAGGAGCGCGAGTACAAATGCGACCAGTG-3'

ClinVar aggregate classification (germline): Benign/Likely benign. Review status: criteria provided, multiple submitters, no conflicts (2 of 4 stars). 8 submissions from 8 submitters: Benign (1); Likely benign (3). 4 of the submissions do not count toward it. Last evaluated 2026-06-30.

Conditions:
PRDM16-related disorder. Also called: PRDM16-related condition.
Left ventricular noncompaction 8 (LVNC8). Identifiers: Orphanet 154, Orphanet 54260, MedGen C3809288, MONDO:0014152, OMIM 615373.

Allele frequency attached by ClinVar (database versions not stated): gnomAD 0.00029; TOPMed 0.00029; 1000 Genomes Project 30x 0.00031; ESP Exome Variant Server 0.00031; 1000 Genomes Project 0.00040.
gnomAD v4.1: 213 of 1,613,052 alleles (0.013%); highest among the groups gnomAD compares: Middle Eastern, 0.23%; 2 homozygotes.

Submissions (8):

Women's Health and Genetics/Laboratory Corporation of America, LabCorp
Classification: Benign. Last evaluated: 2026-06-30. Review status: criteria provided, single submitter. Criteria: LabCorp Variant Classification Summary - May 2015. Collection method: clinical testing. Allele origin: germline.

Labcorp Genetics (formerly Invitae), Labcorp
Classification: Likely benign for Left ventricular noncompaction 8. Last evaluated: 2025-12-06. Review status: criteria provided, single submitter. Criteria: Invitae Variant Classification Sherloc (09022015). Collection method: clinical testing. Allele origin: germline.

Blueprint Genetics
Classification: Likely benign. Last evaluated: 2024-10-14. Review status: criteria provided, single submitter. Criteria: ACMG Guidelines, 2015. Collection method: clinical testing. Allele origin: germline.

GeneDx
Classification: Likely benign. Last evaluated: 2021-01-06. Review status: criteria provided, single submitter. Criteria: GeneDx Variant Classification Process June 2021. Collection method: clinical testing. Allele origin: germline. Affected: yes.

PreventionGenetics, part of Exact Sciences
Classification: Likely benign for PRDM16-related condition. Last evaluated: 2019-03-04. Review status: no assertion criteria provided. Collection method: clinical testing. Allele origin: germline. Not counted in ClinVar's aggregate classification.
Comment: This variant is classified as likely benign based on ACMG/AMP sequence variant interpretation guidelines (Richards et al. 2015 PMID: 25741868, with internal and published modifications).

Clinical Genetics DNA and cytogenetics Diagnostics Lab, Erasmus MC, Erasmus Medical Center
Classification: Likely benign. Review status: no assertion criteria provided. Collection method: clinical testing. Allele origin: germline. Affected: yes. Study: VKGL Data-share Consensus. Not counted in ClinVar's aggregate classification.

Clinical Genetics, Academic Medical Center
Classification: Benign. Review status: no assertion criteria provided. Collection method: clinical testing. Allele origin: germline. Affected: yes. Study: VKGL Data-share Consensus. Not counted in ClinVar's aggregate classification.

Joint Genome Diagnostic Labs from Nijmegen and Maastricht, Radboudumc and MUMC+
Classification: Likely benign. Review status: no assertion criteria provided. Collection method: clinical testing. Allele origin: germline. Affected: yes. Study: VKGL Data-share Consensus. Not counted in ClinVar's aggregate classification.